The following is an entry in ClinVar:

ClinVar aggregate classification (germline): Likely benign (0 of 4 stars; one submission).

Conditions:
GJB2-related disorder. Also called: GJB2-related condition; GJB2-related disorders. Identifiers: MedGen CN382183, MONDO:1060236.

Allele frequency attached by ClinVar (database versions not stated): TOPMed 0.00001; gnomAD 0.00003.

Submission:

PreventionGenetics, part of Exact Sciences
Classification: Likely benign for GJB2-related condition. Last evaluated: 2022-08-07. Review status: no assertion criteria provided. Collection method: clinical testing. Allele origin: germline.
Comment: This variant is classified as likely benign based on ACMG/AMP sequence variant interpretation guidelines (Richards et al. 2015 PMID: 25741868, with internal and published modifications).

NC_000013.11:g.20193014G>A

Gene: GJB2 (gap junction protein beta 2; minus strand). Cytogenetic location: 13q12.11.
Variant type: single nucleotide variant.
Genome position: GRCh38 VCF-style: chr13-20193014-G-A. GRCh37 (hg19) VCF-style: chr13-20767153-G-A.
Identifiers: ClinVar variation 3032755 (VCV003032755.2), dbSNP rs1411911768, ClinGen allele CA696366344.